The following is an entry in ClinVar:

ClinVar aggregate classification (germline): Uncertain significance (1 of 4 stars; one submission).

Conditions:
Hereditary cancer-predisposing syndrome. Also called: Neoplastic Syndromes, Hereditary; Tumor predisposition; Hereditary neoplastic syndrome; Hereditary Cancer Syndrome. Identifiers: Orphanet 140162, MedGen C0027672, MeSH D009386, MONDO:0015356.

Submission:

Ambry Genetics
Classification: Uncertain significance for Hereditary cancer-predisposing syndrome. Last evaluated: 2026-07-27. Review status: criteria provided, single submitter. Criteria: Ambry Variant Classification Scheme 2023. Collection method: clinical testing. Allele origin: germline.
Comment: The p.S100R variant (also known as c.300C>G), located in coding exon 2 of the RET gene, results from a C to G substitution at nucleotide position 300. The serine at codon 100 is replaced by arginine, an amino acid with dissimilar properties. This amino acid position is conserved. In addition, the in silico prediction for this alteration is inconclusive. Based on the available evidence, the clinical significance of this variant remains unclear.

NM_020975.6(RET):c.300C>G (p.Ser100Arg)

Gene: RET (ret proto-oncogene; plus strand). Cytogenetic location: 10q11.21.
Variant type: single nucleotide variant.
Coding change: c.300C>G on transcript NM_020975.6 (MANE Select); coding-DNA position 300, C replaced by G.
Protein change: p.Ser100Arg; replaces serine 100 with arginine.
Molecular consequence: missense variant. On other transcripts: intron variant (4).
Genome position (GRCh38, 1-based): chr10:43,100,685, C>G. VCF-style: chr10-43100685-C-G. GRCh37 (hg19) VCF-style: chr10-43596133-C-G.
Other names: c.300C>G, p.Ser100Arg (NM_001406776.1, NM_001406777.1, NM_001406778.1 and 32 more transcripts); c.74-8346C>G (NM_001406784.1); c.74-11414C>G (NM_001406794.1, NM_001406792.1, NM_001406793.1); short protein forms S100R.
Identifiers: ClinVar variation 5028191 (VCV005028191.1).